The following is an entry in ClinVar:

ClinVar aggregate classification (germline): Uncertain significance (0 of 4 stars; one submission).

Conditions:
BIRC6-related disorder. Also called: BIRC6-related condition.

Submission:

PreventionGenetics, part of Exact Sciences
Classification: Uncertain significance for BIRC6-related condition. Last evaluated: 2024-01-31. Review status: no assertion criteria provided. Collection method: clinical testing. Allele origin: germline.
Comment: The BIRC6 c.2113A>G variant is predicted to result in the amino acid substitution p.Lys705Glu. To our knowledge, this variant has not been reported in the literature or in a large population database, indicating this variant is rare. At this time, the clinical significance of this variant is uncertain due to the absence of conclusive functional and genetic evidence.

NM_016252.4(BIRC6):c.2113A>G (p.Lys705Glu)

Gene: BIRC6 (baculoviral IAP repeat containing 6; plus strand). Cytogenetic location: 2p22.3.
Variant type: single nucleotide variant.
Coding change: c.2113A>G on transcript NM_016252.4 (MANE Select); coding-DNA position 2113, A replaced by G.
Protein change: p.Lys705Glu; replaces lysine 705 with glutamic acid.
Molecular consequence: missense variant.
Genome position (GRCh38, 1-based): chr2:32,415,404, A>G. VCF-style: chr2-32415404-A-G. GRCh37 (hg19) VCF-style: chr2-32640472-A-G.
Other names: c.2029A>G, p.Lys677Glu (NM_001378125.1); short protein forms K677E, K705E.
Identifiers: ClinVar variation 3030047 (VCV003030047.2), dbSNP rs2468693670, ClinGen allele CA346543764.
Genomic context (GRCh38, chr2:32,415,404, plus strand): 5'-GTGACTTACATTCAGCAATTTGCAGATGCAGCAGCCAACCTTACCTCTCCGGATTCTGAG[A>G]AGTGGAACTCTGTGTTTCCCAAGCCTGGGACTTTGGTTCAGTGCTTGAGGCTGCCAAAGT-3'
Protein context (NP_057336.3, residues 695-715): AANLTSPDSE[Lys705Glu]WNSVFPKPGT